The following is an entry in ClinVar:

ClinVar aggregate classification (germline): Likely pathogenic (1 of 4 stars; one submission).

Conditions:
Cardiovascular phenotype. Identifiers: MedGen CN230736.

Submission:

Ambry Genetics
Classification: Likely pathogenic for Cardiovascular phenotype. Last evaluated: 2024-05-01. Review status: criteria provided, single submitter. Criteria: Ambry Variant Classification Scheme 2023. Collection method: clinical testing. Allele origin: germline.
Comment: The p.W44* variant (also known as c.132G>A), located in coding exon 1 of the DOLK gene, results from a G to A substitution at nucleotide position 132. This changes the amino acid from a tryptophan to a stop codon within coding exon 1. The predicted stop codon occurs in the 5&rsquo; end of theDOLK gene. Premature termination codons in the 5&rsquo; end of a gene have been reported to escape nonsense-mediated mRNAdecay and/or lead to re-initiation (Rivas et al. Science. 2015 May 8;348(6235):666-9; Lindeboom et al. Nat Genet. 2016 Oct;48(10):1112-8; Rhee et al. Sci Rep. 2017 May 10;7(1):1653). Direct evidence for this alteration is unavailable, however premature termination codons are typically deleterious in nature. This variant is considered to be rare based on population cohorts in the Genome Aggregation Database (gnomAD). Based on the majority of available evidence to date, this variant is likely to be pathogenic.

NM_014908.4(DOLK):c.132G>A (p.Trp44Ter)

Gene: DOLK (dolichol kinase; minus strand). Cytogenetic location: 9q34.11.
Variant type: single nucleotide variant.
Coding change: c.132G>A on transcript NM_014908.4 (MANE Select); coding-DNA position 132, G replaced by A.
Protein change: p.Trp44Ter; replaces tryptophan 44 with a stop codon.
Molecular consequence: nonsense.
Genome position (GRCh38, 1-based): chr9:128,947,172, C>T on the plus strand (G>A on the coding strand, the complement: DOLK is on the minus strand). VCF-style: chr9-128947172-C-T. GRCh37 (hg19) VCF-style: chr9-131709451-C-T.
Other names: short protein forms W44*.
Identifiers: ClinVar variation 3273481 (VCV003273481.1).